The following is an entry in ClinVar:

ClinVar aggregate classification (germline): Uncertain significance. Review status: criteria provided, multiple submitters, no conflicts (2 of 4 stars). 2 submissions from 2 submitters: Uncertain significance (2). Last evaluated 2023-11-18.

Conditions:
POLR1A-related disorder. Also called: POLR1A-related condition.

gnomAD v4.1: 1 of 1,613,910 alleles (0.000062%); highest among the groups gnomAD compares: Non-Finnish European, 0.000085%; no homozygotes.

Submissions (2):

Labcorp Genetics (formerly Invitae), Labcorp
Classification: Uncertain significance. Last evaluated: 2023-11-18. Review status: criteria provided, single submitter. Criteria: Invitae Variant Classification Sherloc (09022015). Collection method: clinical testing. Allele origin: germline.
Comment: This sequence change replaces proline, which is neutral and non-polar, with leucine, which is neutral and non-polar, at codon 1335 of the POLR1A protein (p.Pro1335Leu). This variant is not present in population databases (gnomAD no frequency). This variant has not been reported in the literature in individuals affected with POLR1A-related conditions. Advanced modeling of protein sequence and biophysical properties (such as structural, functional, and spatial information, amino acid conservation, physicochemical variation, residue mobility, and thermodynamic stability) performed at Invitae indicates that this missense variant is expected to disrupt POLR1A protein function with a positive predictive value of 80%. In summary, the available evidence is currently insufficient to determine the role of this variant in disease. Therefore, it has been classified as a Variant of Uncertain Significance.

PreventionGenetics, part of Exact Sciences
Classification: Uncertain significance for POLR1A-related condition. Last evaluated: 2023-08-21. Review status: criteria provided, single submitter. Criteria: ACMG Guidelines, 2015. Collection method: clinical testing. Allele origin: germline.
Comment: The POLR1A c.4004C>T variant is predicted to result in the amino acid substitution p.Pro1335Leu. To our knowledge, this variant has not been reported in the literature or in a large population database, indicating this variant is rare. At this time, the clinical significance of this variant is uncertain due to the absence of conclusive functional and genetic evidence.

NM_015425.6(POLR1A):c.4004C>T (p.Pro1335Leu)

Gene: POLR1A (RNA polymerase I subunit A; minus strand). Cytogenetic location: 2p11.2.
Variant type: single nucleotide variant.
Coding change: c.4004C>T on transcript NM_015425.6 (MANE Select); coding-DNA position 4004, C replaced by T.
Protein change: p.Pro1335Leu; replaces proline 1335 with leucine.
Molecular consequence: missense variant.
Genome position (GRCh38, 1-based): chr2:86,038,730, G>A on the plus strand (C>T on the coding strand, the complement: POLR1A is on the minus strand). VCF-style: chr2-86038730-G-A. GRCh37 (hg19) VCF-style: chr2-86265853-G-A.
Other names: short protein forms P1335L.
Identifiers: ClinVar variation 2629082 (VCV002629082.4), dbSNP rs1192634172, ClinGen allele CA347549958.